The following is an entry in ClinVar:

ClinVar aggregate classification (germline): Benign/Likely benign. Review status: criteria provided, multiple submitters, no conflicts (2 of 4 stars). 3 submissions from 3 submitters: Benign (2); Likely benign (1). Last evaluated 2025-12-16.

Conditions:
Succinyl-CoA acetoacetate transferase deficiency (SCOTD). Also called: KETOACIDOSIS DUE TO SCOT DEFICIENCY; SCOT DEFICIENCY; SUCCINYL-CoA:3-KETOACID CoA-TRANSFERASE DEFICIENCY; 3-Oxoacid CoA Transferase Deficiency; Succinyl CoA:3-oxoacid CoA transferase deficiency. Identifiers: Orphanet 832, MedGen C0342792, MONDO:0009492, OMIM 245050.

Submissions (3):

Labcorp Genetics (formerly Invitae), Labcorp
Classification: Benign for Succinyl-CoA acetoacetate transferase deficiency. Last evaluated: 2025-12-16. Review status: criteria provided, single submitter. Criteria: Invitae Variant Classification Sherloc (09022015). Collection method: clinical testing. Allele origin: germline.

Mayo Clinic Laboratories, Mayo Clinic
Classification: Benign. Last evaluated: 2025-01-27. Review status: criteria provided, single submitter. Criteria: ACMG Guidelines, 2015. Collection method: clinical testing. Allele origin: germline. Observed: 2 variant alleles.
Comment: BA1, BP4, BP7

Blueprint Genetics
Classification: Likely benign. Last evaluated: 2024-11-26. Review status: criteria provided, single submitter. Criteria: ACMG Guidelines, 2015. Collection method: clinical testing. Allele origin: germline.

NM_000436.4(OXCT1):c.79-22dup

Gene: OXCT1 (3-oxoacid CoA-transferase 1; minus strand). Cytogenetic location: 5p13.1.
Variant type: Duplication.
Coding change: c.79-22dup on transcript NM_000436.4 (MANE Select); 22 bases into the intron before coding-DNA position 79, one base duplicated (T; older notation c.79-22dupT).
Molecular consequence: intron variant.
Genome position (GRCh38, 1-based): chr5:41,862,761, A duplicated on the plus strand (T on the coding strand, the reverse complement: OXCT1 is on the minus strand); the first of 12 consecutive A bases (chr5:41,862,761-41,862,772); duplicating any one gives the same sequence. VCF-style (leftmost placement, unchanged base first): chr5-41862760-T-TA. GRCh37 (hg19) VCF-style: chr5-41862862-T-TA.
Other names: p.?; c.79-22dup (NM_001364301.2, NM_001364302.2, NM_001364299.2); c.100-22dup (NM_001364300.2); c.79-11dup (NM_000436.4).
Identifiers: ClinVar variation 353668 (VCV000353668.14), dbSNP rs748715820, ClinGen allele CA3253697.